The following is an entry in ClinVar:

ClinVar aggregate classification (germline): Uncertain significance (1 of 4 stars; one submission).

Submission:

Labcorp Genetics (formerly Invitae), Labcorp
Classification: Uncertain significance. Last evaluated: 2024-05-02. Review status: criteria provided, single submitter. Criteria: Invitae Variant Classification Sherloc (09022015). Collection method: clinical testing. Allele origin: germline.
Comment: This sequence change replaces leucine, which is neutral and non-polar, with proline, which is neutral and non-polar, at codon 387 of the MTOR protein (p.Leu387Pro). This variant is not present in population databases (gnomAD no frequency). This variant has not been reported in the literature in individuals affected with MTOR-related conditions. Advanced modeling of protein sequence and biophysical properties (such as structural, functional, and spatial information, amino acid conservation, physicochemical variation, residue mobility, and thermodynamic stability) performed at Invitae indicates that this missense variant is not expected to disrupt MTOR protein function with a negative predictive value of 95%. In summary, the available evidence is currently insufficient to determine the role of this variant in disease. Therefore, it has been classified as a Variant of Uncertain Significance.

NM_004958.4(MTOR):c.1160T>C (p.Leu387Pro)

Gene: MTOR (mechanistic target of rapamycin kinase; minus strand). Cytogenetic location: 1p36.22.
Variant type: single nucleotide variant.
Coding change: c.1160T>C on transcript NM_004958.4 (MANE Select); coding-DNA position 1160, T replaced by C.
Protein change: p.Leu387Pro; replaces leucine 387 with proline.
Molecular consequence: missense variant. On other transcripts: intron variant (1).
Genome position (GRCh38, 1-based): chr1:11,247,690, A>G on the plus strand (T>C on the coding strand, the complement: MTOR is on the minus strand). VCF-style: chr1-11247690-A-G. GRCh37 (hg19) VCF-style: chr1-11307747-A-G.
Other names: c.1160T>C, p.Leu387Pro (NM_001386500.1); c.-24+129T>C (NM_001386501.1); short protein forms L387P.
Identifiers: ClinVar variation 3694565 (VCV003694565.2).
Genomic context (GRCh38, chr1:11,247,690, plus strand): 5'-AAGGCAGAAGGTCGGAATGCAGCCAAGCGGGGCAACAAATTAAGGATTGTCATTTGGATC[A>G]GCGAGTTCTTGCTATTCCTGCATTTCAGCACCCACTGGCACACCTGAGAGAGGAAGGATA-3'
Protein context (NP_004949.1, residues 377-397): VLKCRNSKNS[Leu387Pro]IQMTILNLLP